The following is an entry in ClinVar:

NM_000435.3(NOTCH3):c.2984C>T (p.Pro995Leu)

Gene: NOTCH3 (notch receptor 3; minus strand). Cytogenetic location: 19p13.12.
Variant type: single nucleotide variant.
Coding change: c.2984C>T on transcript NM_000435.3 (MANE Select); coding-DNA position 2984, C replaced by T.
Protein change: p.Pro995Leu; replaces proline 995 with leucine.
Molecular consequence: missense variant.
Genome position (GRCh38, 1-based): chr19:15,180,971, G>A on the plus strand (C>T on the coding strand, the complement: NOTCH3 is on the minus strand). VCF-style: chr19-15180971-G-A. GRCh37 (hg19) VCF-style: chr19-15291782-G-A.
Other names: short protein forms P995L.
Identifiers: ClinVar variation 3571965 (VCV003571965.2).

ClinVar aggregate classification (germline): Uncertain significance. Review status: criteria provided, multiple submitters, no conflicts (2 of 4 stars). 2 submissions from 2 submitters: Uncertain significance (2). Last evaluated 2025-07-29.

gnomAD v4.1: 3 of 1,592,250 alleles (0.00019%); highest among the groups gnomAD compares: South Asian, 0.0011%; no homozygotes.

Submissions (2):

Labcorp Genetics (formerly Invitae), Labcorp
Classification: Uncertain significance. Last evaluated: 2025-07-29. Review status: criteria provided, single submitter. Criteria: Invitae Variant Classification Sherloc (09022015). Collection method: clinical testing. Allele origin: germline.
Comment: This sequence change replaces proline, which is neutral and non-polar, with leucine, which is neutral and non-polar, at codon 995 of the NOTCH3 protein (p.Pro995Leu). This variant is not present in population databases (gnomAD no frequency). This variant has not been reported in the literature in individuals affected with NOTCH3-related conditions. ClinVar contains an entry for this variant (Variation ID: 3571965). Invitae Evidence Modeling of protein sequence and biophysical properties (such as structural, functional, and spatial information, amino acid conservation, physicochemical variation, residue mobility, and thermodynamic stability) indicates that this missense variant is not expected to disrupt NOTCH3 protein function with a negative predictive value of 95%. In summary, the available evidence is currently insufficient to determine the role of this variant in disease. Therefore, it has been classified as a Variant of Uncertain Significance.

Athena Diagnostics
Classification: Uncertain significance. Last evaluated: 2024-05-07. Review status: criteria provided, single submitter. Criteria: Athena Diagnostics Criteria. Collection method: clinical testing. Allele origin: unknown.
Comment: Available data are insufficient to determine the clinical significance of the variant at this time. The frequency of this variant in the general population is uninformative in assessment of its pathogenicity. Polyphen and MutationTaster predict this amino acid change may be benign. Greater than 90% of NOTCH3 pathogenic variants associated with CADASIL involve the gain or loss of a cysteine residue within the epidermal growth factor (EGF)-like repeat domain (PMID: 32457593, 20301673).